The following is an entry in ClinVar:

NM_001987.5(ETV6):c.1214A>G (p.Asn405Ser)

Gene: ETV6 (ETS variant transcription factor 6; plus strand). Cytogenetic location: 12p13.2.
Variant type: single nucleotide variant.
Coding change: c.1214A>G on transcript NM_001987.5 (MANE Select); coding-DNA position 1214, A replaced by G.
Protein change: p.Asn405Ser; replaces asparagine 405 with serine.
Molecular consequence: missense variant. On other transcripts: intron variant (1).
Genome position (GRCh38, 1-based): chr12:11,885,987, A>G. VCF-style: chr12-11885987-A-G. GRCh37 (hg19) VCF-style: chr12-12038921-A-G.
Other names: c.1211A>G, p.Asn404Ser (NM_001413913.1); c.1187A>G, p.Asn396Ser (NM_001413914.1); c.950A>G, p.Asn317Ser (NM_001413915.1); c.1010-4954A>G (NM_001413917.1); short protein forms N317S, N396S, N405S, N404S.
Identifiers: ClinVar variation 4020127 (VCV004020127.1).
Genomic context (GRCh38, chr12:11,885,987, plus strand): 5'-ACAGAACAAACATGACCTATGAGAAAATGTCCAGAGCCCTGCGCCACTACTACAAACTAA[A>G]CATTATCAGGAAGGAGCCAGGACAAAGGCTTTTGTTCAGGTAGCACTTCCTTTTTCTCCT-3'
Protein context (NP_001978.1, residues 395-415): SRALRHYYKL[Asn405Ser]IIRKEPGQRL

ClinVar aggregate classification (germline): Uncertain significance (1 of 4 stars; one submission).

Conditions:
Inborn genetic diseases. Identifiers: MedGen C0950123, MeSH D030342.

Submission:

Ambry Genetics
Classification: Uncertain significance for Inborn genetic diseases. Last evaluated: 2025-06-07. Review status: criteria provided, single submitter. Criteria: Ambry Variant Classification Scheme 2023. Collection method: clinical testing. Allele origin: germline.
Comment: The p.N405S variant (also known as c.1214A>G), located in coding exon 7 of the ETV6 gene, results from an A to G substitution at nucleotide position 1214. The asparagine at codon 405 is replaced by serine, an amino acid with highly similar properties. This amino acid position is conserved. In addition, this alteration is predicted to be tolerated by in silico analysis. Based on the available evidence, the clinical significance of this variant remains unclear.